The following is an entry in ClinVar:

ClinVar aggregate classification (germline): Uncertain significance (1 of 4 stars; one submission).

Submission:

Greenwood Genetic Center Diagnostic Laboratories, Greenwood Genetic Center
Classification: Uncertain significance. Last evaluated: 2025-03-24. Review status: criteria provided, single submitter. Criteria: ACMG Guidelines, 2015. Collection method: clinical testing. Allele origin: germline.
Comment: PM2

NM_001170629.2(CHD8):c.7257C>G (p.Ala2419=)

Gene: CHD8 (chromodomain helicase DNA binding protein 8; minus strand). Cytogenetic location: 14q11.2.
Variant type: single nucleotide variant.
Coding change: c.7257C>G on transcript NM_001170629.2 (MANE Select); coding-DNA position 7257, C replaced by G.
Protein change: p.Ala2419=; no amino-acid change (alanine 2419 retained).
Molecular consequence: synonymous variant.
Genome position (GRCh38, 1-based): chr14:21,386,102, G>C on the plus strand (C>G on the coding strand, the complement: CHD8 is on the minus strand). VCF-style: chr14-21386102-G-C. GRCh37 (hg19) VCF-style: chr14-21854261-G-C.
Other names: c.6420C>G, p.Ala2140= (NM_020920.4).
Identifiers: ClinVar variation 4851730 (VCV004851730.1).